The following is an entry in ClinVar:

ClinVar aggregate classification (germline): Uncertain significance (1 of 4 stars; one submission).

Allele frequency attached by ClinVar (database versions not stated): gnomAD exomes below 0.00001 and 0.00001; ExAC 0.00001.

Submission:

Labcorp Genetics (formerly Invitae), Labcorp
Classification: Uncertain significance. Last evaluated: 2021-07-14. Review status: criteria provided, single submitter. Criteria: Invitae Variant Classification Sherloc (09022015). Collection method: clinical testing. Allele origin: germline.
Comment: This sequence change replaces alanine with glycine at codon 13 of the MOCS2A protein (p.Ala13Gly). The alanine residue is weakly conserved and there is a small physicochemical difference between alanine and glycine. This variant is present in population databases (rs778448083, ExAC 0.002%). This variant has not been reported in the literature in individuals affected with MOCS2A-related conditions. Algorithms developed to predict the effect of missense changes on protein structure and function are either unavailable or do not agree on the potential impact of this missense change (SIFT: "Tolerated"; PolyPhen-2: "Probably Damaging"; Align-GVGD: "Class C0"). In summary, the available evidence is currently insufficient to determine the role of this variant in disease. Therefore, it has been classified as a Variant of Uncertain Significance.

NM_176806.4(MOCS2):c.38C>G (p.Ala13Gly)

Gene: MOCS2 (molybdenum cofactor synthesis 2; minus strand). Cytogenetic location: 5q11.2.
Variant type: single nucleotide variant.
Coding change: c.38C>G on transcript NM_176806.4 (MANE Plus Clinical); coding-DNA position 38, C replaced by G.
Protein change: p.Ala13Gly; replaces alanine 13 with glycine.
Molecular consequence: missense variant. On other transcripts: 5 prime UTR variant (1).
Genome position (GRCh38, 1-based): chr5:53,108,624, G>C on the plus strand (C>G on the coding strand, the complement: MOCS2 is on the minus strand). VCF-style: chr5-53108624-G-C. GRCh37 (hg19) VCF-style: chr5-52404454-G-C.
Other names: c.-150C>G (NM_004531.5); short protein forms A13G.
Identifiers: ClinVar variation 1449774 (VCV001449774.5), dbSNP rs778448083, ClinGen allele CA3263817.